The following is an entry in ClinVar:

NM_000334.4(SCN4A):c.4949C>T (p.Pro1650Leu)

Genes: GH-LCR (growth hormone locus control region; plus strand), SCN4A (sodium voltage-gated channel alpha subunit 4; minus strand). Cytogenetic location: 17q23.3.
Variant type: single nucleotide variant.
Coding change: c.4949C>T on transcript NM_000334.4 (MANE Select); coding-DNA position 4949, C replaced by T.
Protein change: p.Pro1650Leu; replaces proline 1650 with leucine.
Molecular consequence: missense variant.
Genome position (GRCh38, 1-based): chr17:63,941,333, G>A on the plus strand (C>T on the coding strand, the complement: SCN4A is on the minus strand). VCF-style: chr17-63941333-G-A. GRCh37 (hg19) VCF-style: chr17-62018693-G-A.
Other names: short protein forms P1650L.
Identifiers: ClinVar variation 586523 (VCV000586523.37), dbSNP rs774183791, ClinGen allele CA8708869.

ClinVar aggregate classification (germline): Conflicting classifications of pathogenicity. Review status: criteria provided, conflicting classifications (1 of 4 stars). 6 submissions from 6 submitters: Likely pathogenic (2); Uncertain significance (4). Last evaluated 2024-11-05.

Conditions:
Hyperkalemic periodic paralysis. Also called: Familial hyperkalemic periodic paralysis; Gamstorp disease. Identifiers: Orphanet 682, MedGen C0238357, MONDO:0008224, OMIM 170500, HP:0007215.
Congenital myasthenic syndrome 16. Identifiers: Orphanet 590, MedGen C3280112, MONDO:0013620, OMIM 614198.
Paramyotonia congenita of Von Eulenburg. Also called: Myotonia congenita intermittens; Von Eulenburg paramyotonia congenita; Paramyotonia Congenita; PARALYSIS PERIODICA PARAMYOTONICA; Eulenburg disease. Identifiers: Orphanet 684, MedGen C0221055, MONDO:0008195, OMIM 168300. Disease mechanism: loss of function.
Congenital myopathy 22A, classic (CMYO22A). Identifiers: MedGen C5830453, MONDO:0957247, OMIM 620351.
Congenital myopathy 22B, severe fetal (CMYO22B). Identifiers: MedGen C5830501, MONDO:0957265, OMIM 620369.
Hypokalemic periodic paralysis, type 2 (HOKPP2). Identifiers: Orphanet 681, MedGen C2750061, MONDO:0013234, OMIM 613345.
Potassium-aggravated myotonia. Also called: Myotonia congenita, atypical, acetazolamide-responsive; MYOTONIA CONGENITA, ACETAZOLAMIDE-RESPONSIVE; MYOTONIA CONGENITA, ATYPICAL; SODIUM CHANNEL MUSCLE DISEASE. Identifiers: Orphanet 612, Orphanet 99734, Orphanet 99735, Orphanet 99736, MedGen C2931826, MONDO:0018959, OMIM 608390.

Allele frequency attached by ClinVar (database versions not stated): gnomAD 0.00002; gnomAD exomes 0.00001 and 0.00002; TOPMed below 0.00001; ExAC 0.00001.
gnomAD v4.1: 13 of 1,613,774 alleles (0.00081%); highest among the groups gnomAD compares: Admixed American, 0.0067%; no homozygotes.

Submissions (6):

Labcorp Genetics (formerly Invitae), Labcorp
Classification: Likely pathogenic for Hyperkalemic periodic paralysis. Last evaluated: 2024-11-05. Review status: criteria provided, single submitter. Criteria: Invitae Variant Classification Sherloc (09022015). Collection method: clinical testing. Allele origin: germline.
Comment: This sequence change replaces proline, which is neutral and non-polar, with leucine, which is neutral and non-polar, at codon 1650 of the SCN4A protein (p.Pro1650Leu). This variant is present in population databases (rs774183791, gnomAD 0.01%). This missense change has been observed in individuals with autosomal recessive SCN4A-related conditions (PMID: 30369941, 32487525). ClinVar contains an entry for this variant (Variation ID: 586523). Invitae Evidence Modeling of protein sequence and biophysical properties (such as structural, functional, and spatial information, amino acid conservation, physicochemical variation, residue mobility, and thermodynamic stability) indicates that this missense variant is expected to disrupt SCN4A protein function with a positive predictive value of 95%. Experimental studies have shown that this missense change affects SCN4A function (PMID: 32487525). In summary, the currently available evidence indicates that the variant is pathogenic, but additional data are needed to prove that conclusively. Therefore, this variant has been classified as Likely Pathogenic.

Fulgent Genetics
Classification: Uncertain significance for Paramyotonia congenita of Von Eulenburg; Hyperkalemic periodic paralysis; Potassium-aggravated myotonia; Hypokalemic periodic paralysis, type 2; Congenital myasthenic syndrome 16; Congenital myopathy 22A, classic; Congenital myopathy 22B, severe fetal. Last evaluated: 2024-01-30. Review status: criteria provided, single submitter. Criteria: ACMG Guidelines, 2015. Collection method: clinical testing. Allele origin: germline.

CeGaT Center for Human Genetics Tuebingen
Classification: Uncertain significance. Last evaluated: 2022-03-01. Review status: criteria provided, single submitter. Criteria: CeGaT Center For Human Genetics Tuebingen Variant Classification Criteria Version 2. Collection method: clinical testing. Allele origin: germline. Affected: yes. Observed: 1 variant allele.
Comment: SCN4A: PM2, PM3, PP3

GeneDx
Classification: Uncertain significance. Last evaluated: 2020-03-27. Review status: criteria provided, single submitter. Criteria: GeneDx Variant Classification Process June 2021. Collection method: clinical testing. Allele origin: germline. Affected: yes.
Comment: Observed in an individual with neuromuscular symptoms who harbored a second SCN4A variant (Theunissen et al., 2018); In silico analysis supports that this missense variant has a deleterious effect on protein structure/function; This variant is associated with the following publications: (PMID: 32487525, 32129495, 30369941)

Athena Diagnostics
Classification: Uncertain significance. Last evaluated: 2018-08-14. Review status: criteria provided, single submitter. Criteria: Athena Diagnostics Criteria. Collection method: clinical testing. Allele origin: germline.

Clinical Biomedical Laboratory, Shriners Hospital For Children - Canada
Classification: Likely pathogenic for Congenital myasthenic syndrome 16. Review status: criteria provided, single submitter. Criteria: ACMG Guidelines, 2015. Collection method: clinical testing. Allele origin: germline. Affected: yes.
Comment: This variant is predicted to substitute a proline residue by a leucine residue in SCN4A. This variant is not present in signficant numbers in the Genome Aggregation Database (gnomAD v2.1.1). Computational tools (REVEL: 0.895) suggest that the amino acid change is damaging to protein function. This variant has been published as a cause of congenital myasthenic syndrome (e.g. PMID 32487525). Based on the ACMG variant interpretation guidelines (criteria PM2, PP2, PP3), the available evidence supports classification of this variant as likely pathogenic.

Literature cited by the submitters: PubMed 30369941 (cited by Labcorp Genetics (formerly Invitae), Labcorp); PubMed 32487525 (cited by Labcorp Genetics (formerly Invitae), Labcorp).